The following is an entry in ClinVar:

NM_001277115.2(DNAH11):c.10920T>G (p.Asn3640Lys)

Gene: DNAH11 (dynein axonemal heavy chain 11; plus strand). Cytogenetic location: 7p15.3.
Variant type: single nucleotide variant.
Coding change: c.10920T>G on transcript NM_001277115.2 (MANE Select); coding-DNA position 10920, T replaced by G.
Protein change: p.Asn3640Lys; replaces asparagine 3640 with lysine.
Molecular consequence: missense variant.
Genome position (GRCh38, 1-based): chr7:21,852,490, T>G. VCF-style: chr7-21852490-T-G. GRCh37 (hg19) VCF-style: chr7-21892108-T-G.
Other names: short protein forms N3640K.
Identifiers: ClinVar variation 659773 (VCV000659773.2), dbSNP rs1583773726, ClinGen allele CA366958838.

ClinVar aggregate classification (germline): Uncertain significance. Review status: criteria provided, multiple submitters, no conflicts (2 of 4 stars). 2 submissions from 2 submitters: Uncertain significance (2). Last evaluated 2025-08-04.

Conditions:
Primary ciliary dyskinesia. Also called: Ciliary dyskinesia. Identifiers: Orphanet 244, MedGen C0008780, MONDO:0016575, HP:0012265.

Allele frequency attached by ClinVar (database versions not stated): TOPMed below 0.00001.

Submissions (2):

Ambry Genetics
Classification: Uncertain significance for Primary ciliary dyskinesia. Last evaluated: 2025-08-04. Review status: criteria provided, single submitter. Criteria: Ambry Variant Classification Scheme 2023. Collection method: clinical testing. Allele origin: germline.

Labcorp Genetics (formerly Invitae), Labcorp
Classification: Uncertain significance for Primary ciliary dyskinesia. Last evaluated: 2018-12-26. Review status: criteria provided, single submitter. Criteria: Invitae Variant Classification Sherloc (09022015). Collection method: clinical testing. Allele origin: germline.
Comment: This sequence change replaces asparagine with lysine at codon 3640 of the DNAH11 protein (p.Asn3640Lys). The asparagine residue is highly conserved and there is a moderate physicochemical difference between asparagine and lysine. This variant is not present in population databases (ExAC no frequency). This variant has not been reported in the literature in individuals with DNAH11-related conditions. Algorithms developed to predict the effect of missense changes on protein structure and function are either unavailable or do not agree on the potential impact of this missense change (SIFT: "Tolerated"; PolyPhen-2: "Possibly Damaging"; Align-GVGD: "Class C0"). In summary, the available evidence is currently insufficient to determine the role of this variant in disease. Therefore, it has been classified as a Variant of Uncertain Significance.